The following is an entry in ClinVar:

NM_020843.4(SCAPER):c.972T>C (p.Thr324=)

Gene: SCAPER (S-phase cyclin A associated protein in the ER; minus strand). Cytogenetic location: 15q24.3.
Variant type: single nucleotide variant.
Coding change: c.972T>C on transcript NM_020843.4 (MANE Select); coding-DNA position 972, T replaced by C.
Protein change: p.Thr324=; no amino-acid change (threonine 324 retained).
Molecular consequence: synonymous variant. On other transcripts: non-coding transcript variant (1).
Genome position (GRCh38, 1-based): chr15:76,774,918, A>G on the plus strand (T>C on the coding strand, the complement: SCAPER is on the minus strand). VCF-style: chr15-76774918-A-G. GRCh37 (hg19) VCF-style: chr15-77067259-A-G.
Other names: c.234T>C, p.Thr78= (NM_001145923.2); c.972T>C, p.Thr324= (NM_001353009.2); c.570T>C, p.Thr190= (NM_001353010.2, NM_001353011.2, NM_001353012.2); c.972T>C (NM_001353009.1).
Identifiers: ClinVar variation 740933 (VCV000740933.11), dbSNP rs188856398, ClinGen allele CA7675057.
Genomic context (GRCh38, chr15:76,774,918, plus strand): 5'-GGTTTTTTCGGCAAGAGGATGGTCACAAGAGTGTAATGAGTCTTTGGGATGAGATTCTAT[A>G]GTATTAGAAGTTCCATCTCCAACAAATTGACCTTTCTGTATGCTTTCATCAGGTAAAAGA-3'
Protein context (NP_065894.2, residues 314-334): GQFVGDGTSN[Thr324=]IESHPKDSLH

ClinVar aggregate classification (germline): Likely benign. Review status: criteria provided, multiple submitters, no conflicts (2 of 4 stars). 4 submissions from 4 submitters: Likely benign (3). 1 of the submissions does not count toward it. Last evaluated 2026-02-01.

Conditions:
SCAPER-related disorder. Also called: SCAPER-related condition.

Allele frequency attached by ClinVar (database versions not stated): gnomAD exomes 0.00002 and 0.00003; ExAC 0.00003; gnomAD 0.00006 and 0.00007; TOPMed 0.00020; 1000 Genomes Project 0.00100; 1000 Genomes Project 30x 0.00109.
gnomAD v4.1: 51 of 1,613,720 alleles (0.0032%); highest among the groups gnomAD compares: Admixed American, 0.075%; 2 homozygotes.

Submissions (4):

CeGaT Center for Human Genetics Tuebingen
Classification: Likely benign. Last evaluated: 2026-02-01. Review status: criteria provided, single submitter. Criteria: CeGaT Center For Human Genetics Tuebingen Variant Classification Criteria Version 2. Collection method: clinical testing. Allele origin: germline. Affected: yes. Observed: 2 variant alleles.
Comment: SCAPER: BP4, BP7

Blueprint Genetics
Classification: Likely benign. Last evaluated: 2022-11-01. Review status: criteria provided, single submitter. Criteria: ACMG Guidelines, 2015. Collection method: clinical testing. Allele origin: germline.

Labcorp Genetics (formerly Invitae), Labcorp
Classification: Likely benign. Last evaluated: 2019-12-31. Review status: criteria provided, single submitter. Criteria: Invitae Variant Classification Sherloc (09022015). Collection method: clinical testing. Allele origin: germline.

PreventionGenetics, part of Exact Sciences
Classification: Likely benign for SCAPER-related condition. Last evaluated: 2024-07-31. Review status: no assertion criteria provided. Collection method: clinical testing. Allele origin: germline. Not counted in ClinVar's aggregate classification.
Comment: This variant is classified as likely benign based on ACMG/AMP sequence variant interpretation guidelines (Richards et al. 2015 PMID: 25741868, with internal and published modifications).